The following is an entry in ClinVar:

ClinVar aggregate classification (germline): Uncertain significance (1 of 4 stars; one submission).

Conditions:
Alpha thalassemia-X-linked intellectual disability syndrome (ATRX). Also called: ALPHA-THALASSEMIA/MENTAL RETARDATION SYNDROME, X-LINKED; ATR, NONDELETION TYPE; ATR-X syndrome; Alpha thalassemia mental retardation syndrome, nondeletion type, X-linked; XLMR hypotonic face syndrome; X-linked alpha-thalassemia-mental retardation syndrome. Identifiers: Orphanet 847, MedGen C1845055, MONDO:0010519, OMIM 301040.

gnomAD v4.1: 1 of 1,210,807 alleles (0.000083%); highest among the groups gnomAD compares: Non-Finnish European, 0.00011%; no homozygotes.

Submission:

Labcorp Genetics (formerly Invitae), Labcorp
Classification: Uncertain significance for Alpha thalassemia-X-linked intellectual disability syndrome. Last evaluated: 2024-05-08. Review status: criteria provided, single submitter. Criteria: Invitae Variant Classification Sherloc (09022015). Collection method: clinical testing. Allele origin: germline.
Comment: This sequence change replaces threonine, which is neutral and polar, with alanine, which is neutral and non-polar, at codon 509 of the ATRX protein (p.Thr509Ala). This variant is not present in population databases (gnomAD no frequency). This variant has not been reported in the literature in individuals affected with ATRX-related conditions. Advanced modeling of protein sequence and biophysical properties (such as structural, functional, and spatial information, amino acid conservation, physicochemical variation, residue mobility, and thermodynamic stability) performed at Invitae indicates that this missense variant is not expected to disrupt ATRX protein function with a negative predictive value of 95%. In summary, the available evidence is currently insufficient to determine the role of this variant in disease. Therefore, it has been classified as a Variant of Uncertain Significance.

NM_000489.6(ATRX):c.1525A>G (p.Thr509Ala)

Gene: ATRX (ATRX chromatin remodeler; minus strand). Cytogenetic location: Xq21.1.
Variant type: single nucleotide variant.
Coding change: c.1525A>G on transcript NM_000489.6 (MANE Select); coding-DNA position 1525, A replaced by G.
Protein change: p.Thr509Ala; replaces threonine 509 with alanine.
Molecular consequence: missense variant.
Genome position (GRCh38, 1-based): chrX:77,683,731, T>C on the plus strand (A>G on the coding strand, the complement: ATRX is on the minus strand). VCF-style: chrX-77683731-T-C. GRCh37 (hg19) VCF-style: chrX-76939223-T-C.
Other names: c.1411A>G, p.Thr471Ala (NM_138270.5); short protein forms T471A, T509A.
Identifiers: ClinVar variation 3609287 (VCV003609287.2).
Genomic context (GRCh38, chrX:77,683,731, plus strand): 5'-AAATGTCTTCTGGAACTGAGGAAGGAACAGACACAATATCCATGTCTAAATCTTCAGAAG[T>C]GTTGGCAGGTTCATATTGAGGTTCTTCTTTTCTATCAGATTTCTTATGTTCACCACCGGT-3'
Protein context (NP_000480.3, residues 499-519): KEEPQYEPAN[Thr509Ala]SEDLDMDIVS